The following is an entry in ClinVar:

ClinVar aggregate classification (germline): Likely benign. Review status: criteria provided, multiple submitters, no conflicts (2 of 4 stars). 2 submissions from 2 submitters: Likely benign (2). Last evaluated 2025-11-15.

Conditions:
Lethal multiple pterygium syndrome (LMPS). Identifiers: Orphanet 33108, MedGen C1854678, MONDO:0009668, OMIM 253290.

Allele frequency attached by ClinVar (database versions not stated): TOPMed 0.00007; ESP Exome Variant Server 0.00023.
gnomAD v4.1: 239 of 1,614,060 alleles (0.015%); highest among the groups gnomAD compares: Non-Finnish European, 0.019%; no homozygotes.

Submissions (2):

Labcorp Genetics (formerly Invitae), Labcorp
Classification: Likely benign for Lethal multiple pterygium syndrome. Last evaluated: 2025-11-15. Review status: criteria provided, single submitter. Criteria: Invitae Variant Classification Sherloc (09022015). Collection method: clinical testing. Allele origin: germline.

Mayo Clinic Laboratories, Mayo Clinic
Classification: Likely benign. Last evaluated: 2025-10-22. Review status: criteria provided, single submitter. Criteria: ACMG Guidelines, 2015. Collection method: clinical testing. Allele origin: germline. Observed: 1 variant allele.
Comment: BP4, BP7

NM_000079.4(CHRNA1):c.1170C>G (p.Pro390=)

Gene: CHRNA1 (cholinergic receptor nicotinic alpha 1 subunit; minus strand). Cytogenetic location: 2q31.1.
Variant type: single nucleotide variant.
Coding change: c.1170C>G on transcript NM_000079.4 (MANE Select); coding-DNA position 1170, C replaced by G.
Protein change: p.Pro390=; no amino-acid change (proline 390 retained).
Molecular consequence: synonymous variant.
Genome position (GRCh38, 1-based): chr2:174,748,652, G>C on the plus strand (C>G on the coding strand, the complement: CHRNA1 is on the minus strand). VCF-style: chr2-174748652-G-C. GRCh37 (hg19) VCF-style: chr2-175613380-G-C.
Other names: p.Pro390=; c.1245C>G, p.Pro415= (NM_001039523.3).
Identifiers: ClinVar variation 707070 (VCV000707070.11), dbSNP rs141280544, ClinGen allele CA1974353.